The following is an entry in ClinVar:

ClinVar aggregate classification (germline): Uncertain significance (1 of 4 stars; one submission).

Submission:

GeneDx
Classification: Uncertain significance. Last evaluated: 2023-02-17. Review status: criteria provided, single submitter. Criteria: GeneDx Variant Classification Process June 2021. Collection method: clinical testing. Allele origin: germline. Affected: yes.
Comment: Not observed at significant frequency in large population cohorts (gnomAD); In silico analysis supports that this missense variant has a deleterious effect on protein structure/function; In silico analysis is inconclusive as to whether the variant alters gene splicing. In the absence of RNA/functional studies, the actual effect of this sequence change is unknown.

NM_003660.4(PPFIA3):c.239A>C (p.Gln80Pro)

Genes: PPFIA3 (PTPRF interacting protein alpha 3; plus strand), LOC130064903 (ATAC-STARR-seq lymphoblastoid silent region 10914; plus strand). Cytogenetic location: 19q13.33.
Variant type: single nucleotide variant.
Coding change: c.239A>C on transcript NM_003660.4 (MANE Select); coding-DNA position 239, A replaced by C.
Protein change: p.Gln80Pro; replaces glutamine 80 with proline.
Molecular consequence: missense variant. On other transcripts: non-coding transcript variant (1).
Genome position (GRCh38, 1-based): chr19:49,128,112, A>C. VCF-style: chr19-49128112-A-C. GRCh37 (hg19) VCF-style: chr19-49631369-A-C.
Other names: short protein forms Q80P.
Identifiers: ClinVar variation 2430188 (VCV002430188.1), dbSNP rs2513949502, ClinGen allele CA406796799.